The following is an entry in ClinVar:

ClinVar aggregate classification (germline): Likely benign (1 of 4 stars; one submission).

Allele frequency attached by ClinVar (database versions not stated): TOPMed 0.00679; 1000 Genomes Project 0.00819; 1000 Genomes Project 30x 0.00984.
gnomAD v4.1: 828 of 152,218 alleles (0.54%); highest among the groups gnomAD compares: African/African-American, 1.9%; 10 homozygotes.

Submission:

GeneDx
Classification: Likely benign. Last evaluated: 2018-06-19. Review status: criteria provided, single submitter. Criteria: GeneDx Variant Classification (06012015). Collection method: clinical testing. Allele origin: germline. Affected: yes.
Comment: This variant is considered likely benign or benign based on one or more of the following criteria: it is a conservative change, it occurs at a poorly conserved position in the protein, it is predicted to be benign by multiple in silico algorithms, and/or has population frequency not consistent with disease.

NM_001330260.2(SCN8A):c.395+327G>A

Gene: SCN8A (sodium voltage-gated channel alpha subunit 8; plus strand). Cytogenetic location: 12q13.13.
Variant type: single nucleotide variant.
Coding change: c.395+327G>A on transcript NM_001330260.2 (MANE Select); 327 bases into the intron after coding-DNA position 395, G replaced by A.
Molecular consequence: intron variant.
Genome position (GRCh38, 1-based): chr12:51,684,619, G>A. VCF-style: chr12-51684619-G-A. GRCh37 (hg19) VCF-style: chr12-52078403-G-A.
Other names: c.395+327G>A (NM_014191.4, NM_001177984.3, NM_001369788.1).
Identifiers: ClinVar variation 674065 (VCV000674065.1), dbSNP rs186365625, ClinGen allele CA236259412.